The following is an entry in ClinVar:

ClinVar aggregate classification (germline): Uncertain significance (1 of 4 stars; one submission).

Conditions:
Exostoses, multiple, type 2 (EXT2). Also called: Hereditary Multiple Osteochondromatosis, Type II; EXOSTOSES, MULTIPLE, TYPE II. Identifiers: Orphanet 321, MedGen C1851413, MONDO:0007586, OMIM 133701.

Submission:

Labcorp Genetics (formerly Invitae), Labcorp
Classification: Uncertain significance for Exostoses, multiple, type 2. Last evaluated: 2024-01-26. Review status: criteria provided, single submitter. Criteria: Invitae Variant Classification Sherloc (09022015). Collection method: clinical testing. Allele origin: unknown.
Comment: This variant results in a copy number gain of the genomic region encompassing exon(s) 8 of the EXT2 gene. While the exact position of this variant cannot be determined from the data, sub-genic copy number gains are generally in tandem (PMID: 25640679). This variant is predicted to be in-frame, and likely preserves the integrity of the reading frame. This variant has not been reported in the literature in individuals affected with EXT2-related conditions. Experimental studies and prediction algorithms are not available or were not evaluated, and the functional significance of this variant is currently unknown. In summary, the available evidence is currently insufficient to determine the role of this variant in disease. Therefore, it has been classified as a Variant of Uncertain Significance.

Literature cited by the submitters: PubMed 25640679.

NC_000011.9:g.(?_44193141)_(44193312_?)dup

Gene: EXT2 (exostosin glycosyltransferase 2; plus strand). Cytogenetic location: 11p11.2.
Variant type: Duplication.
Identifiers: ClinVar variation 3244622 (VCV003244622.1).